The following is an entry in ClinVar:

ClinVar aggregate classification (germline): Uncertain significance (1 of 4 stars; one submission).

gnomAD v4.1: 23 of 1,606,638 alleles (0.0014%); highest among the groups gnomAD compares: East Asian, 0.0045%; no homozygotes.

Submission:

Labcorp Genetics (formerly Invitae), Labcorp
Classification: Uncertain significance. Last evaluated: 2025-11-05. Review status: criteria provided, single submitter. Criteria: Invitae Variant Classification Sherloc (09022015). Collection method: clinical testing. Allele origin: germline.
Comment: This sequence change replaces valine, which is neutral and non-polar, with methionine, which is neutral and non-polar, at codon 1199 of the ITPR1 protein (p.Val1199Met). This variant is present in population databases (rs753688238, gnomAD 0.01%). This variant has not been reported in the literature in individuals affected with ITPR1-related conditions. Invitae Evidence Modeling of protein sequence and biophysical properties (such as structural, functional, and spatial information, amino acid conservation, physicochemical variation, residue mobility, and thermodynamic stability) has been performed for this missense variant. However, the output from this modeling did not meet the statistical confidence thresholds required to predict the impact of this variant on ITPR1 protein function. In summary, the available evidence is currently insufficient to determine the role of this variant in disease. Therefore, it has been classified as a Variant of Uncertain Significance.

NM_001378452.1(ITPR1):c.3667G>A (p.Val1223Met)

Gene: ITPR1 (inositol 1,4,5-trisphosphate receptor type 1; plus strand). Cytogenetic location: 3p26.1.
Variant type: single nucleotide variant.
Coding change: c.3667G>A on transcript NM_001378452.1 (MANE Select); coding-DNA position 3667, G replaced by A.
Protein change: p.Val1223Met; replaces valine 1223 with methionine.
Molecular consequence: missense variant.
Genome position (GRCh38, 1-based): chr3:4,685,171, G>A. VCF-style: chr3-4685171-G-A. GRCh37 (hg19) VCF-style: chr3-4726855-G-A.
Other names: c.3640G>A, p.Val1214Met (NM_001099952.4); c.3622G>A, p.Val1208Met (NM_001168272.2); c.3595G>A, p.Val1199Met (NM_002222.7); short protein forms V1214M, V1199M, V1223M, V1208M.
Identifiers: ClinVar variation 4699111 (VCV004699111.1).